The following is an entry in ClinVar:

NM_002880.4(RAF1):c.1655A>G (p.Asn552Ser)

Gene: RAF1 (Raf-1 proto-oncogene, serine/threonine kinase; minus strand). Cytogenetic location: 3p25.2.
Variant type: single nucleotide variant.
Coding change: c.1655A>G on transcript NM_002880.4 (MANE Select); coding-DNA position 1655, A replaced by G.
Protein change: p.Asn552Ser; replaces asparagine 552 with serine.
Molecular consequence: missense variant. On other transcripts: non-coding transcript variant (3).
Genome position (GRCh38, 1-based): chr3:12,585,135, T>C on the plus strand (A>G on the coding strand, the complement: RAF1 is on the minus strand). VCF-style: chr3-12585135-T-C. GRCh37 (hg19) VCF-style: chr3-12626634-T-C.
Other names: c.1715A>G, p.Asn572Ser (NM_001354689.3); c.1655A>G, p.Asn552Ser (NM_001354690.3); c.1412A>G, p.Asn471Ser (NM_001354691.3, NM_001354692.3); c.1556A>G, p.Asn519Ser (NM_001354693.3); c.1472A>G, p.Asn491Ser (NM_001354694.3); c.1313A>G, p.Asn438Ser (NM_001354695.3); short protein forms N552S, N438S, N471S, N491S, N519S, N572S.
Identifiers: ClinVar variation 40622 (VCV000040622.11), dbSNP rs775817988, ClinGen allele CA2259458.
Genomic context (GRCh38, chr3:12,585,135, plus strand): 5'-CCAGGGGCTCCCACGAGTTGGGTCCTTTCGCACCAGCACAGACTTACCTGATCTCGGTTG[T>C]TGATGTGAGAATAAGGAAGCTCCCCCGTCATCAGTTCATACAATACGATGCCATAGGAGT-3'
Protein context (NP_002871.1, residues 542-562): MTGELPYSHI[Asn552Ser]NRDQIIFMVG

ClinVar aggregate classification (germline): Uncertain significance. Review status: criteria provided, multiple submitters, no conflicts (2 of 4 stars). 3 submissions from 3 submitters: Uncertain significance (3). Last evaluated 2025-11-05.

Conditions:
Cardiovascular phenotype. Identifiers: MedGen CN230736.
RASopathy. Also called: rasopathies; Noonan spectrum disorder. Identifiers: Orphanet 536391, MedGen C5555857, MONDO:0021060.

Allele frequency attached by ClinVar (database versions not stated): gnomAD exomes below 0.00001 and 0.00001; ExAC 0.00001.
gnomAD v4.1: 7 of 1,614,192 alleles (0.00043%); highest among the groups gnomAD compares: East Asian, 0.0089%; no homozygotes.

Submissions (3):

Labcorp Genetics (formerly Invitae), Labcorp
Classification: Uncertain significance for RASopathy. Last evaluated: 2025-11-05. Review status: criteria provided, single submitter. Criteria: Invitae Variant Classification Sherloc (09022015). Collection method: clinical testing. Allele origin: germline.
Comment: This sequence change replaces asparagine, which is neutral and polar, with serine, which is neutral and polar, at codon 552 of the RAF1 protein (p.Asn552Ser). This variant is present in population databases (rs775817988, gnomAD 0.006%). This missense change has been observed in individual(s) with RAF1-related conditions (PMID: 35352813). ClinVar contains an entry for this variant (Variation ID: 40622). Invitae Evidence Modeling incorporating data from in vitro experimental studies (internal data) indicates that this missense variant is not expected to disrupt RAF1 function with a negative predictive value of 80%. In summary, the available evidence is currently insufficient to determine the role of this variant in disease. Therefore, it has been classified as a Variant of Uncertain Significance.

Ambry Genetics
Classification: Uncertain significance for Cardiovascular phenotype. Last evaluated: 2023-08-04. Review status: criteria provided, single submitter. Criteria: Ambry Variant Classification Scheme 2023. Collection method: clinical testing. Allele origin: germline.
Comment: The p.N552S variant (also known as c.1655A>G), located in coding exon 14 of the RAF1 gene, results from an A to G substitution at nucleotide position 1655. The asparagine at codon 552 is replaced by serine, an amino acid with highly similar properties. This amino acid position is well conserved in available vertebrate species. In addition, this alteration is predicted to be tolerated by in silico analysis. Since supporting evidence is limited at this time, the clinical significance of this alteration remains unclear.

GeneDx
Classification: Uncertain significance. Last evaluated: 2018-02-05. Review status: criteria provided, single submitter. Criteria: GeneDx Variant Classification (06012015). Collection method: clinical testing. Allele origin: germline. Affected: yes.
Comment: A variant of uncertain significance has been identified in the RAF1 gene. The N552S variant has not been published as pathogenic or been reported as benign to our knowledge. The N552S variant is not observed at a significant frequency in large population cohorts (Lek et al., 2016). In-silico analyses, including protein predictors and evolutionary conservation, support a deleterious effect. Furthermore, the majority of missense variants in the RAF1 gene are pathogenic (Stenson et al., 2014). However, the N552S variant is a conservative amino acid substitution, which is not likely to impact secondary protein structure as these residues share similar properties. Therefore, based on the currently available information, it is unclear whether this variant is pathogenic or rare benign.

Literature cited by the submitters: PubMed 35352813 (cited by Labcorp Genetics (formerly Invitae), Labcorp).